The following is an entry in ClinVar:

GRCh38/hg38 2q31.1(chr2:171833866-171844606)x0

Gene: SLC25A12 (solute carrier family 25 member 12; minus strand). Cytogenetic location: 2q31.1.
Variant type: copy number loss.
Change: copy number 0 (both copies lost) of chr2:171,833,866-171,844,606 (10.7 kb, GRCh38 coordinates, 1-based), cytogenetic band 2q31.1.
Identifiers: ClinVar variation 2579196 (VCV002579196.1).

ClinVar aggregate classification (germline): Pathogenic (1 of 4 stars; one submission).

Conditions:
Developmental and epileptic encephalopathy, 39 (DEE39). Also called: DEVELOPMENTAL AND EPILEPTIC ENCEPHALOPATHY 39 WITH LEUKODYSTROPHY. Identifiers: Orphanet 353217, MedGen C2751855, MONDO:0013056, OMIM 612949.

Submission:

Broad Center for Mendelian Genomics, Broad Institute of MIT and Harvard
Classification: Pathogenic for Developmental and epileptic encephalopathy, 39. Last evaluated: 2023-08-24. Review status: criteria provided, single submitter. Criteria: ACMG/ClinGen CNV Guidelines, 2019. Collection method: research. Allele origin: unknown. Inheritance: Autosomal recessive inheritance. Affected: yes.
Comment: These breakpoints have been estimated by exome sequencing only and therefore may not reflect the true breakpoints. Inheritance information is unavailable. The patient phenotype is nonspecific, but is consistent with cases described in the literature and/or published databases with overlapping variants. This intragenic variant is predicted to cause a frameshift, which alters the protein’s amino acid sequence beginning at exon 5 and leads to a premature termination codon. This alteration is then predicted to lead to a truncated or absent protein. Loss of function of SLC25A12 is an established disease mechanism in autosomal recessive developmental and epileptic encephalopathy. In summary, this variant meets criteria to be classified as pathogenic for autosomal recessive developmental and epileptic encephalopathy. The ACMG/ClinGen evidence codes and points used in this curation are as follows: 1: 0 points, 2: 0.9 points, 3: 0 points, 4-5: 0.15 points; Total: 1.05 points; Riggs 2020 (PMID: 31690835).